The following is an entry in ClinVar:

ClinVar aggregate classification (germline): Uncertain significance (1 of 4 stars; one submission).

Conditions:
Joubert syndrome 15 (JBTS15). Identifiers: Orphanet 475, MedGen C3280897, MONDO:0013763, OMIM 614464.

Submission:

Labcorp Genetics (formerly Invitae), Labcorp
Classification: Uncertain significance for Joubert syndrome 15. Last evaluated: 2025-04-16. Review status: criteria provided, single submitter. Criteria: Invitae Variant Classification Sherloc (09022015). Collection method: clinical testing. Allele origin: germline.
Comment: This sequence change replaces tyrosine, which is neutral and polar, with asparagine, which is neutral and polar, at codon 23 of the CEP41 protein (p.Tyr23Asn). This variant is not present in population databases (gnomAD no frequency). This variant has not been reported in the literature in individuals affected with CEP41-related conditions. ClinVar contains an entry for this variant (Variation ID: 1714273). Invitae Evidence Modeling of protein sequence and biophysical properties (such as structural, functional, and spatial information, amino acid conservation, physicochemical variation, residue mobility, and thermodynamic stability) indicates that this missense variant is expected to disrupt CEP41 protein function with a positive predictive value of 80%. In summary, the available evidence is currently insufficient to determine the role of this variant in disease. Therefore, it has been classified as a Variant of Uncertain Significance.

NM_018718.3(CEP41):c.67T>A (p.Tyr23Asn)

Gene: CEP41 (centrosomal protein 41; minus strand). Cytogenetic location: 7q32.2.
Variant type: single nucleotide variant.
Coding change: c.67T>A on transcript NM_018718.3 (MANE Select); coding-DNA position 67, T replaced by A.
Protein change: p.Tyr23Asn; replaces tyrosine 23 with asparagine.
Molecular consequence: missense variant. On other transcripts: non-coding transcript variant (1).
Genome position (GRCh38, 1-based): chr7:130,427,985, A>T on the plus strand (T>A on the coding strand, the complement: CEP41 is on the minus strand). VCF-style: chr7-130427985-A-T. GRCh37 (hg19) VCF-style: chr7-130067826-A-T.
Other names: c.67T>A, p.Tyr23Asn (NM_001257158.2, NM_001257159.2, NM_001257160.2); short protein forms Y23N.
Identifiers: ClinVar variation 1714273 (VCV001714273.5), dbSNP rs782047730, ClinGen allele CA369287274.